The following is an entry in ClinVar:

NM_153006.3(NAGS):c.116C>T (p.Ala39Val)

Gene: NAGS (N-acetylglutamate synthase; plus strand). Cytogenetic location: 17q21.31.
Variant type: single nucleotide variant.
Coding change: c.116C>T on transcript NM_153006.3 (MANE Select); coding-DNA position 116, C replaced by T.
Protein change: p.Ala39Val; replaces alanine 39 with valine.
Molecular consequence: missense variant.
Genome position (GRCh38, 1-based): chr17:44,004,779, C>T. VCF-style: chr17-44004779-C-T. GRCh37 (hg19) VCF-style: chr17-42082147-C-T.
Other names: short protein forms A39V.
Identifiers: ClinVar variation 323443 (VCV000323443.9), dbSNP rs754480096, ClinGen allele CA10649351.
Genomic context (GRCh38, chr17:44,004,779, plus strand): 5'-TGAGAGGCCGGGGAGGCACTGGGGGCGCCCGAAGGCTGAGCTGTGGCGCGCGGCGGCGGG[C>T]GGCGAGGGGCACCAGCCCGGGGCGCCGGCTCAGCACCGCCTGGTCGCAGCCCCAGCCCCC-3'
Protein context (NP_694551.1, residues 29-49): RRLSCGARRR[Ala39Val]ARGTSPGRRL

ClinVar aggregate classification (germline): Uncertain significance. Review status: criteria provided, multiple submitters, no conflicts (2 of 4 stars). 4 submissions from 4 submitters: Uncertain significance (4). Last evaluated 2025-08-31.

Conditions:
Inborn genetic diseases. Identifiers: MedGen C0950123, MeSH D030342.
Hyperammonemia, type III (NAGSD). Also called: Hyperammonemia due to N-acetylglutamate synthase deficiency. Identifiers: Orphanet 927, MedGen C0268543, MONDO:0009377, OMIM 237310.

Allele frequency attached by ClinVar (database versions not stated): gnomAD 0.00001; TOPMed 0.00002.
gnomAD v4.1: 28 of 1,366,674 alleles (0.002%); highest among the groups gnomAD compares: East Asian, 0.0029%; no homozygotes.

Submissions (4):

Ambry Genetics
Classification: Uncertain significance for Inborn genetic diseases. Last evaluated: 2025-08-31. Review status: criteria provided, single submitter. Criteria: Ambry Variant Classification Scheme 2023. Collection method: clinical testing. Allele origin: germline.

Blueprint Genetics
Classification: Uncertain significance. Last evaluated: 2024-04-30. Review status: criteria provided, single submitter. Criteria: ACMG Guidelines, 2015. Collection method: clinical testing. Allele origin: germline.

Labcorp Genetics (formerly Invitae), Labcorp
Classification: Uncertain significance for Hyperammonemia, type III. Last evaluated: 2022-10-25. Review status: criteria provided, single submitter. Criteria: Invitae Variant Classification Sherloc (09022015). Collection method: clinical testing. Allele origin: germline.
Comment: This sequence change replaces alanine, which is neutral and non-polar, with valine, which is neutral and non-polar, at codon 39 of the NAGS protein (p.Ala39Val). This variant is not present in population databases (gnomAD no frequency). This variant has not been reported in the literature in individuals affected with NAGS-related conditions. ClinVar contains an entry for this variant (Variation ID: 323443). Algorithms developed to predict the effect of missense changes on protein structure and function (SIFT, PolyPhen-2, Align-GVGD) all suggest that this variant is likely to be tolerated. In summary, the available evidence is currently insufficient to determine the role of this variant in disease. Therefore, it has been classified as a Variant of Uncertain Significance.

Illumina Laboratory Services, Illumina
Classification: Uncertain significance for Hyperammonemia, type III. Last evaluated: 2018-01-13. Review status: criteria provided, single submitter. Criteria: ICSL Variant Classification Criteria 13 December 2019. Collection method: clinical testing. Allele origin: germline.